The following is an entry in ClinVar:

NM_152594.3(SPRED1):c.944C>G (p.Pro315Arg)

Gene: SPRED1 (sprouty related EVH1 domain containing 1; plus strand). Cytogenetic location: 15q14.
Variant type: single nucleotide variant.
Coding change: c.944C>G on transcript NM_152594.3 (MANE Select); coding-DNA position 944, C replaced by G.
Protein change: p.Pro315Arg; replaces proline 315 with arginine.
Molecular consequence: missense variant.
Genome position (GRCh38, 1-based): chr15:38,351,273, C>G. VCF-style: chr15-38351273-C-G. GRCh37 (hg19) VCF-style: chr15-38643474-C-G.
Other names: short protein forms P315R.
Identifiers: ClinVar variation 4174045 (VCV004174045.1).
Genomic context (GRCh38, chr15:38,351,273, plus strand): 5'-CTTGTGGGGATGAGACTAAGTTAAGTTCACCCAAAGACTCTGTGGTATTTAAGACGCAGC[C>G]TTCCTCATTAAAAATTAAGAAGTCAAAACGAAGAAAAGAGGATGGTGAACGTTCTCGCTG-3'
Protein context (NP_689807.1, residues 305-325): PKDSVVFKTQ[Pro315Arg]SSLKIKKSKR

ClinVar aggregate classification (germline): Uncertain significance (1 of 4 stars; one submission).

Conditions:
Cardiovascular phenotype. Identifiers: MedGen CN230736.

Submission:

Ambry Genetics
Classification: Uncertain significance for Cardiovascular phenotype. Last evaluated: 2025-08-07. Review status: criteria provided, single submitter. Criteria: Ambry Variant Classification Scheme 2023. Collection method: clinical testing. Allele origin: germline.
Comment: The p.P315R variant (also known as c.944C>G), located in coding exon 7 of the SPRED1 gene, results from a C to G substitution at nucleotide position 944. The proline at codon 315 is replaced by arginine, an amino acid with dissimilar properties. This amino acid position is conserved. In addition, the in silico prediction for this alteration is inconclusive. Based on the available evidence, the clinical significance of this variant remains unclear.